The following is an entry in ClinVar:

NM_000179.3(MSH6):c.3754T>C (p.Leu1252=)

Gene: MSH6 (mutS homolog 6; plus strand). Cytogenetic location: 2p16.3.
Variant type: single nucleotide variant.
Coding change: c.3754T>C on transcript NM_000179.3 (MANE Select); coding-DNA position 3754, T replaced by C.
Protein change: p.Leu1252=; no amino-acid change (leucine 1252 retained).
Molecular consequence: synonymous variant.
Genome position (GRCh38, 1-based): chr2:47,806,311, T>C. VCF-style: chr2-47806311-T-C. GRCh37 (hg19) VCF-style: chr2-48033450-T-C.
Other names: c.3364T>C, p.Leu1122= (NM_001281492.2); c.2848T>C, p.Leu950= (NM_001281493.2, NM_001281494.2).
Identifiers: ClinVar variation 486890 (VCV000486890.12), dbSNP rs1415810815, ClinGen allele CA346761087.

ClinVar aggregate classification (germline): Benign/Likely benign. Review status: criteria provided, multiple submitters, no conflicts (2 of 4 stars). 6 submissions from 6 submitters: Benign (1); Likely benign (5). Last evaluated 2025-04-11.

Conditions:
Hereditary cancer-predisposing syndrome. Also called: Tumor predisposition; Hereditary Cancer Syndrome; Hereditary neoplastic syndrome; Neoplastic Syndromes, Hereditary. Identifiers: Orphanet 140162, MedGen C0027672, MeSH D009386, MONDO:0015356.
Hereditary nonpolyposis colorectal neoplasms. Identifiers: MedGen C0009405, MeSH D003123.
Lynch syndrome. Identifiers: Orphanet 144, MedGen C4552100, MONDO:0005835. Disease mechanism: loss of function.
Lynch syndrome 5 (LYNCH5). Also called: Hereditary non-polyposis colorectal cancer, type 5; Colorectal cancer, hereditary nonpolyposis, type 5. Identifiers: Orphanet 144, MedGen C1833477, MONDO:0013710, OMIM 614350. Disease mechanism: loss of function.

Allele frequency attached by ClinVar (database versions not stated): gnomAD 0.00001; TOPMed 0.00001.
gnomAD v4.1: 2 of 1,614,020 alleles (0.00012%); highest among the groups gnomAD compares: African/African-American, 0.0027%; no homozygotes.

Submissions (6):

Labcorp Genetics (formerly Invitae), Labcorp
Classification: Likely benign for Hereditary nonpolyposis colorectal neoplasms. Last evaluated: 2025-04-11. Review status: criteria provided, single submitter. Criteria: Invitae Variant Classification Sherloc (09022015). Collection method: clinical testing. Allele origin: germline.

Center for Genomic Medicine, Rigshospitalet, Copenhagen University Hospital
Classification: Likely benign. Last evaluated: 2025-03-04. Review status: criteria provided, single submitter. Criteria: ACMG Guidelines, 2015. Collection method: clinical testing. Allele origin: germline.

Myriad Genetics, Inc.
Classification: Benign for Lynch syndrome 5. Last evaluated: 2025-01-08. Review status: criteria provided, single submitter. Criteria: Myriad Autosomal Dominant, Autosomal Recessive and X-Linked Classification Criteria (2023). Collection method: clinical testing. Allele origin: unknown.
Comment: This variant is considered benign. This variant is a silent/synonymous amino acid change and it is not expected to impact splicing.

All of Us Research Program, National Institutes of Health
Classification: Likely benign for Lynch syndrome. Last evaluated: 2023-08-28. Review status: criteria provided, single submitter. Criteria: ACMG Guidelines, 2015. Collection method: clinical testing. Allele origin: germline. Inheritance: Autosomal dominant inheritance. Observed: 1 variant allele, 1 heterozygote.
Comment: This study involves interpretation of variants in research participants for the purpose of population health screening. Participant phenotype was not available at the time of variant classification. Additional details can be found in publication PMID: 35346344, PMCID: PMC8962531

Color Diagnostics, LLC DBA Color Health
Classification: Likely benign for Hereditary cancer-predisposing syndrome. Last evaluated: 2016-06-17. Review status: criteria provided, single submitter. Criteria: ACMG Guidelines, 2015. Collection method: clinical testing. Allele origin: germline.

Ambry Genetics
Classification: Likely benign for Hereditary cancer-predisposing syndrome. Last evaluated: 2016-01-20. Review status: criteria provided, single submitter. Criteria: Ambry Variant Classification Scheme 2023. Collection method: clinical testing. Allele origin: germline.